The following is an entry in ClinVar:

ClinVar aggregate classification (germline): Likely benign (1 of 4 stars; one submission).

gnomAD v4.1: 343 of 1,613,948 alleles (0.021%); highest among the groups gnomAD compares: Non-Finnish European, 0.019%; no homozygotes.

Submission:

CeGaT Center for Human Genetics Tuebingen
Classification: Likely benign. Last evaluated: 2026-07-01. Review status: criteria provided, single submitter. Criteria: CeGaT Center For Human Genetics Tuebingen Variant Classification Criteria Version 2. Collection method: clinical testing. Allele origin: germline. Affected: yes. Observed: 2 variant alleles.
Comment: NADSYN1: BP4, BP7

NM_018161.5(NADSYN1):c.198G>A (p.Ser66=)

Gene: NADSYN1 (NAD synthetase 1; plus strand). Cytogenetic location: 11q13.4.
Variant type: single nucleotide variant.
Coding change: c.198G>A on transcript NM_018161.5 (MANE Select); coding-DNA position 198, G replaced by A.
Protein change: p.Ser66=; no amino-acid change (serine 66 retained).
Molecular consequence: synonymous variant.
Genome position (GRCh38, 1-based): chr11:71,458,479, G>A. VCF-style: chr11-71458479-G-A. GRCh37 (hg19) VCF-style: chr11-71169525-G-A.
Identifiers: ClinVar variation 4821209 (VCV004821209.4).